The following is an entry in ClinVar:

NM_007194.4(CHEK2):c.1462-20T>C

Gene: CHEK2 (checkpoint kinase 2; minus strand). Cytogenetic location: 22q12.1.
Variant type: single nucleotide variant.
Coding change: c.1462-20T>C on transcript NM_007194.4 (MANE Select); 20 bases into the intron before coding-DNA position 1462, T replaced by C.
Molecular consequence: intron variant.
Genome position (GRCh38, 1-based): chr22:28,689,235, A>G on the plus strand (T>C on the coding strand, the complement: CHEK2 is on the minus strand). VCF-style: chr22-28689235-A-G. GRCh37 (hg19) VCF-style: chr22-29085223-A-G.
Other names: c.799-20T>C (NM_001437942.1, NM_001257387.3); c.1261-20T>C (NM_001349956.3); c.1375-20T>C (NM_145862.3); c.1468-20T>C (NM_001438295.1); c.1555-20T>C (NM_001438293.1); c.1504-20T>C (NM_001438294.1); c.1591-20T>C (NM_001005735.3).
Identifiers: ClinVar variation 371987 (VCV000371987.21), dbSNP rs747767986, ClinGen allele CA10167628.

ClinVar aggregate classification (germline): Benign/Likely benign. Review status: criteria provided, multiple submitters, no conflicts (2 of 4 stars). 7 submissions from 7 submitters: Benign (1); Likely benign (5). 1 of the submissions does not count toward it. Last evaluated 2025-12-10.

Conditions:
Hereditary cancer-predisposing syndrome. Also called: Tumor predisposition; Hereditary neoplastic syndrome; Neoplastic Syndromes, Hereditary; Hereditary Cancer Syndrome. Identifiers: Orphanet 140162, MedGen C0027672, MeSH D009386, MONDO:0015356.
Hereditary breast ovarian cancer syndrome. Also called: Hereditary breast and ovarian cancer syndrome (HBOC); Breast and ovarian cancer; Hereditary breast and ovarian cancer; Hereditary breast and ovarian cancer syndrome; BRCA1- and BRCA2-Associated Hereditary Breast and Ovarian Cancer; Hereditary breast and/or ovarian cancer syndrome. Identifiers: Orphanet 145, MedGen C0677776, MeSH D061325, MONDO:0003582. Disease mechanism: loss of function.
Familial cancer of breast. Also called: BREAST CANCER, FAMILIAL; hereditary breast carcinoma; Hereditary breast cancer. Identifiers: Orphanet 227535, MedGen C0346153, MONDO:0016419, OMIM 114480. Disease mechanism: loss of function.

Allele frequency attached by ClinVar (database versions not stated): gnomAD 0.00002; gnomAD exomes 0.00002 and 0.00003; TOPMed 0.00003; ExAC 0.00004.
gnomAD v4.1: 26 of 1,417,290 alleles (0.0018%); highest among the groups gnomAD compares: Middle Eastern, 0.024%; no homozygotes.

Submissions (7):

Labcorp Genetics (formerly Invitae), Labcorp
Classification: Likely benign for Familial cancer of breast. Last evaluated: 2025-12-10. Review status: criteria provided, single submitter. Criteria: Invitae Variant Classification Sherloc (09022015). Collection method: clinical testing. Allele origin: germline.

Myriad Genetics, Inc.
Classification: Likely benign for Familial cancer of breast. Last evaluated: 2023-03-08. Review status: criteria provided, single submitter. Criteria: Myriad Autosomal Dominant, Autosomal Recessive and X-Linked Classification Criteria (2023). Collection method: clinical testing. Allele origin: unknown.
Comment: This variant is considered likely benign. This variant is intronic and is not expected to impact mRNA splicing.

National Health Laboratory Service, Universitas Academic Hospital and University of the Free State
Classification: Likely benign for Hereditary breast ovarian cancer syndrome. Last evaluated: 2022-04-19. Review status: criteria provided, single submitter. Criteria: ACMG Guidelines, 2015. Collection method: clinical testing. Allele origin: germline. Affected: yes. Observed: 1 variant allele.

Genomic Research Center, Shahid Beheshti University of Medical Sciences
Classification: Likely benign for Hereditary cancer-predisposing syndrome. Last evaluated: 2020-05-03. Review status: criteria provided, single submitter. Criteria: ACMG Guidelines, 2015. Collection method: clinical testing. Allele origin: unknown. Affected: yes.

Color Diagnostics, LLC DBA Color Health
Classification: Likely benign for Hereditary cancer-predisposing syndrome. Last evaluated: 2016-06-28. Review status: criteria provided, single submitter. Criteria: ACMG Guidelines, 2015. Collection method: clinical testing. Allele origin: germline.

GeneDx
Classification: Benign. Last evaluated: 2015-04-28. Review status: criteria provided, single submitter. Criteria: GeneDx Variant Classification Process June 2021. Collection method: clinical testing. Allele origin: germline. Affected: yes.

Counsyl
Classification: Likely benign for Familial cancer of breast. Last evaluated: 2016-09-28. Review status: no assertion criteria provided. Collection method: clinical testing. Allele origin: unknown. Not counted in ClinVar's aggregate classification.